The following is an entry in ClinVar:

NM_001369268.1(ACAN):c.892A>G (p.Ser298Gly)

Gene: ACAN (aggrecan; plus strand). Cytogenetic location: 15q26.1.
Variant type: single nucleotide variant.
Coding change: c.892A>G on transcript NM_001369268.1 (MANE Select); coding-DNA position 892, A replaced by G.
Protein change: p.Ser298Gly; replaces serine 298 with glycine.
Molecular consequence: missense variant.
Genome position (GRCh38, 1-based): chr15:88,843,489, A>G. VCF-style: chr15-88843489-A-G. GRCh37 (hg19) VCF-style: chr15-89386720-A-G.
Other names: c.892A>G, p.Ser298Gly (NM_001135.4, NM_001411096.1, NM_001411097.1 and 1 more transcripts); short protein forms S298G.
Identifiers: ClinVar variation 4526294 (VCV004526294.1).
Genomic context (GRCh38, chr15:88,843,489, plus strand): 5'-GCCCGGCTGGCCACCACGGGCCAGCTCTACCTGGCCTGGCAGGCTGGCATGGACATGTGC[A>G]GCGCCGGCTGGCTGGCCGACCGCAGCGTGCGCTACCCCATCTCCAAGGCCCGGCCCAACT-3'
Protein context (NP_001356197.1, residues 288-308): LAWQAGMDMC[Ser298Gly]AGWLADRSVR

ClinVar aggregate classification (germline): Uncertain significance (1 of 4 stars; one submission).

gnomAD v4.1: 15 of 1,612,074 alleles (0.00093%); highest among the groups gnomAD compares: South Asian, 0.015%; no homozygotes.

Submission:

Women's Health and Genetics/Laboratory Corporation of America, LabCorp
Classification: Uncertain significance. Last evaluated: 2025-07-22. Review status: criteria provided, single submitter. Criteria: LabCorp Variant Classification Summary - May 2015. Collection method: clinical testing. Allele origin: germline.
Comment: Variant summary: ACAN c.892A>G (p.Ser298Gly) results in a non-conservative amino acid change in the encoded protein sequence. Algorithms developed to predict the effect of missense changes on protein structure and function are either unavailable or do not agree on the potential impact of this missense change. The variant was absent in 242258 control chromosomes. The available data on variant occurrences in the general population are insufficient to allow any conclusion about variant significance. To our knowledge, no occurrence of c.892A>G in individuals affected with ACAN-Related Disorders and no experimental evidence demonstrating its impact on protein function have been reported. No submitters have cited clinical-significance assessments for this variant to ClinVar. Based on the evidence outlined above, the variant was classified as uncertain significance.